The following is an entry in ClinVar:

NM_001365276.2(TNXB):c.7633C>T (p.Pro2545Ser)

Gene: TNXB (tenascin XB; minus strand). Cytogenetic location: 6p21.33.
Variant type: single nucleotide variant.
Coding change: c.7633C>T on transcript NM_001365276.2 (MANE Select); coding-DNA position 7633, C replaced by T.
Protein change: p.Pro2545Ser; replaces proline 2545 with serine.
Molecular consequence: missense variant.
Genome position (GRCh38, 1-based): chr6:32,058,250, G>A on the plus strand (C>T on the coding strand, the complement: TNXB is on the minus strand). VCF-style: chr6-32058250-G-A. GRCh37 (hg19) VCF-style: chr6-32026027-G-A.
Other names: c.7633C>T, p.Pro2545Ser (NM_019105.8); short protein forms P2545S.
Identifiers: ClinVar variation 1182904 (VCV001182904.29), dbSNP rs201415015, ClinGen allele CA3734097.

ClinVar aggregate classification (germline): Benign/Likely benign. Review status: criteria provided, multiple submitters, no conflicts (2 of 4 stars). 6 submissions from 6 submitters: Benign (1); Likely benign (5). Last evaluated 2026-06-26.

Conditions:
Cardiovascular phenotype. Identifiers: MedGen CN230736.
Ehlers-Danlos syndrome (EDS). Identifiers: Orphanet 98249, MedGen C0013720, MONDO:0020066.

Allele frequency attached by ClinVar (database versions not stated): TOPMed 0.00006; 1000 Genomes Project 30x 0.00016; gnomAD 0.00153 and 0.00162.
gnomAD v4.1: 1,054 of 1,612,470 alleles (0.065%); highest among the groups gnomAD compares: Non-Finnish European, 0.015%; 7 homozygotes.

Submissions (6):

Women's Health and Genetics/Laboratory Corporation of America, LabCorp
Classification: Likely benign. Last evaluated: 2026-06-26. Review status: criteria provided, single submitter. Criteria: LabCorp Variant Classification Summary - May 2015. Collection method: clinical testing. Allele origin: germline.

Labcorp Genetics (formerly Invitae), Labcorp
Classification: Benign. Last evaluated: 2026-01-19. Review status: criteria provided, single submitter. Criteria: Invitae Variant Classification Sherloc (09022015). Collection method: clinical testing. Allele origin: germline.

Ambry Genetics
Classification: Likely benign for Cardiovascular phenotype. Last evaluated: 2025-05-31. Review status: criteria provided, single submitter. Criteria: Ambry Variant Classification Scheme 2023. Collection method: clinical testing. Allele origin: germline.

CeGaT Center for Human Genetics Tuebingen
Classification: Likely benign. Last evaluated: 2024-09-01. Review status: criteria provided, single submitter. Criteria: CeGaT Center For Human Genetics Tuebingen Variant Classification Criteria Version 2. Collection method: clinical testing. Allele origin: germline. Affected: yes. Observed: 2 variant alleles.
Comment: TNXB: BP4, BS2

Genome Diagnostics Laboratory, The Hospital for Sick Children
Classification: Likely benign for Ehlers-Danlos syndrome. Last evaluated: 2019-12-01. Review status: criteria provided, single submitter. Criteria: ACMG Guidelines, 2015. Collection method: clinical testing. Allele origin: germline.

GeneDx
Classification: Likely benign. Last evaluated: 2019-01-16. Review status: criteria provided, single submitter. Criteria: GeneDx Variant Classification Process June 2021. Collection method: clinical testing. Allele origin: germline. Affected: yes.